The following is an entry in ClinVar:

ClinVar aggregate classification (germline): Benign (1 of 4 stars; one submission).

Allele frequency attached by ClinVar (database versions not stated): 1000 Genomes Project 30x 0.03716; 1000 Genomes Project 0.03854; gnomAD 0.06658 and 0.06790; TOPMed 0.06008.

Submission:

GeneDx
Classification: Benign. Last evaluated: 2018-06-19. Review status: criteria provided, single submitter. Criteria: GeneDx Variant Classification (06012015). Collection method: clinical testing. Allele origin: germline. Affected: yes.
Comment: This variant is considered likely benign or benign based on one or more of the following criteria: it is a conservative change, it occurs at a poorly conserved position in the protein, it is predicted to be benign by multiple in silico algorithms, and/or has population frequency not consistent with disease.

NM_015634.3(KIFBP):c.-417C>T

Gene: KIFBP (kinesin family binding protein; plus strand). Cytogenetic location: 10q22.1.
Variant type: single nucleotide variant.
Coding change: c.-417C>T on transcript NM_015634.3; 417 bases upstream of the start codon, C replaced by T.
Genome position (GRCh38, 1-based): chr10:68,988,416, C>T. VCF-style: chr10-68988416-C-T. GRCh37 (hg19) VCF-style: chr10-70748172-C-T.
Identifiers: ClinVar variation 671906 (VCV000671906.3), dbSNP rs72803509, ClinGen allele CA13342327.